The following is an entry in ClinVar:

ClinVar aggregate classification (germline): Uncertain significance (1 of 4 stars; one submission).

Allele frequency attached by ClinVar (database versions not stated): ExAC 0.00001.
gnomAD v4.1: 1 of 1,598,744 alleles (0.000063%); highest among the groups gnomAD compares: Non-Finnish European, 0.000085%; no homozygotes.

Submission:

Women's Health and Genetics/Laboratory Corporation of America, LabCorp
Classification: Uncertain significance. Last evaluated: 2024-02-07. Review status: criteria provided, single submitter. Criteria: LabCorp Variant Classification Summary - May 2015. Collection method: clinical testing. Allele origin: germline.
Comment: Variant summary: MAST1 c.2509G>A (p.Ala837Thr) results in a non-conservative amino acid change in the encoded protein sequence. Four of five in-silico tools predict a benign effect of the variant on protein function. The variant allele was found at a frequency of 4.4e-06 in 229826 control chromosomes. The available data on variant occurrences in the general population are insufficient to allow any conclusion about variant significance. To our knowledge, no occurrence of c.2509G>A in individuals affected with Mega-Corpus Syndrome With Cerebellar Hypoplasia And Cortical Malformations and no experimental evidence demonstrating its impact on protein function have been reported. No submitters have cited clinical-significance assessments for this variant to ClinVar. Based on the evidence outlined above, the variant was classified as uncertain significance.

NM_014975.3(MAST1):c.2509G>A (p.Ala837Thr)

Genes: MAST1 (microtubule associated serine/threonine kinase 1; plus strand), LOC112543452 (Sharpr-MPRA regulatory region 6054; plus strand). Cytogenetic location: 19p13.13.
Variant type: single nucleotide variant.
Coding change: c.2509G>A on transcript NM_014975.3 (MANE Select); coding-DNA position 2509, G replaced by A.
Protein change: p.Ala837Thr; replaces alanine 837 with threonine.
Molecular consequence: missense variant.
Genome position (GRCh38, 1-based): chr19:12,867,920, G>A. VCF-style: chr19-12867920-G-A. GRCh37 (hg19) VCF-style: chr19-12978734-G-A.
Other names: short protein forms A837T.
Identifiers: ClinVar variation 3069090 (VCV003069090.2), dbSNP rs772432841, ClinGen allele CA9233164.